The following is an entry in ClinVar:

ClinVar aggregate classification (germline): Uncertain significance (1 of 4 stars; one submission).

Submission:

GeneDx
Classification: Uncertain significance. Last evaluated: 2024-04-12. Review status: criteria provided, single submitter. Criteria: GeneDx Variant Classification Process June 2021. Collection method: clinical testing. Allele origin: germline. Affected: yes.
Comment: Not observed at significant frequency in large population cohorts (gnomAD); Missense variants in this gene are a common cause of disease and they are underrepresented in the general population; In silico analysis indicates that this missense variant does not alter protein structure/function; Has not been previously published as pathogenic or benign to our knowledge

NM_002880.4(RAF1):c.742G>A (p.Glu248Lys)

Gene: RAF1 (Raf-1 proto-oncogene, serine/threonine kinase; minus strand). Cytogenetic location: 3p25.2.
Variant type: single nucleotide variant.
Coding change: c.742G>A on transcript NM_002880.4 (MANE Select); coding-DNA position 742, G replaced by A.
Protein change: p.Glu248Lys; replaces glutamic acid 248 with lysine.
Molecular consequence: missense variant. On other transcripts: non-coding transcript variant (3).
Genome position (GRCh38, 1-based): chr3:12,604,228, C>T on the plus strand (G>A on the coding strand, the complement: RAF1 is on the minus strand). VCF-style: chr3-12604228-C-T. GRCh37 (hg19) VCF-style: chr3-12645727-C-T.
Other names: c.742G>A, p.Glu248Lys (NM_001354689.3, NM_001354690.3); c.499G>A, p.Glu167Lys (NM_001354691.3, NM_001354692.3, NM_001354694.3); c.643G>A, p.Glu215Lys (NM_001354693.3); c.400G>A, p.Glu134Lys (NM_001354695.3); short protein forms E134K, E167K, E215K, E248K.
Identifiers: ClinVar variation 3372516 (VCV003372516.1).